The following is an entry in ClinVar:

NM_002439.5(MSH3):c.1784A>G (p.Asp595Gly)

Gene: MSH3 (mutS homolog 3; plus strand). Cytogenetic location: 5q14.1.
Variant type: single nucleotide variant.
Coding change: c.1784A>G on transcript NM_002439.5 (MANE Select); coding-DNA position 1784, A replaced by G.
Protein change: p.Asp595Gly; replaces aspartic acid 595 with glycine.
Molecular consequence: missense variant.
Genome position (GRCh38, 1-based): chr5:80,761,566, A>G. VCF-style: chr5-80761566-A-G. GRCh37 (hg19) VCF-style: chr5-80057385-A-G.
Other names: short protein forms D595G.
Identifiers: ClinVar variation 3913631 (VCV003913631.1).

ClinVar aggregate classification (germline): Uncertain significance (1 of 4 stars; one submission).

Conditions:
Hereditary cancer-predisposing syndrome. Also called: Hereditary Cancer Syndrome; Hereditary neoplastic syndrome; Neoplastic Syndromes, Hereditary; Tumor predisposition. Identifiers: Orphanet 140162, MedGen C0027672, MeSH D009386, MONDO:0015356.

Submission:

Ambry Genetics
Classification: Uncertain significance for Hereditary cancer-predisposing syndrome. Last evaluated: 2025-04-25. Review status: criteria provided, single submitter. Criteria: Ambry Variant Classification Scheme 2023. Collection method: clinical testing. Allele origin: germline.
Comment: The p.D595G variant (also known as c.1784A>G), located in coding exon 13 of the MSH3 gene, results from an A to G substitution at nucleotide position 1784. The aspartic acid at codon 595 is replaced by glycine, an amino acid with similar properties. This amino acid position is conserved. In addition, this alteration is predicted to be deleterious by in silico analysis. Based on the available evidence, the clinical significance of this variant remains unclear.